The following is an entry in ClinVar:

ClinVar aggregate classification (germline): Uncertain significance (1 of 4 stars; one submission).

Allele frequency attached by ClinVar (database versions not stated): gnomAD exomes below 0.00001; ExAC 0.00001.
gnomAD v4.1: 1 of 1,606,918 alleles (0.000062%); highest among the groups gnomAD compares: East Asian, 0.0023%; no homozygotes.

Submission:

Labcorp Genetics (formerly Invitae), Labcorp
Classification: Uncertain significance. Last evaluated: 2023-10-20. Review status: criteria provided, single submitter. Criteria: Invitae Variant Classification Sherloc (09022015). Collection method: clinical testing. Allele origin: germline.
Comment: This sequence change replaces cysteine, which is neutral and slightly polar, with tryptophan, which is neutral and slightly polar, at codon 529 of the NALCN protein (p.Cys529Trp). This variant is present in population databases (rs746447186, gnomAD 0.01%). This variant has not been reported in the literature in individuals affected with NALCN-related conditions. Advanced modeling of protein sequence and biophysical properties (such as structural, functional, and spatial information, amino acid conservation, physicochemical variation, residue mobility, and thermodynamic stability) has been performed at Invitae for this missense variant, however the output from this modeling did not meet the statistical confidence thresholds required to predict the impact of this variant on NALCN protein function. In summary, the available evidence is currently insufficient to determine the role of this variant in disease. Therefore, it has been classified as a Variant of Uncertain Significance.

NM_052867.4(NALCN):c.1587C>G (p.Cys529Trp)

Gene: NALCN (sodium leak channel, non-selective; minus strand). Cytogenetic location: 13q33.1.
Variant type: single nucleotide variant.
Coding change: c.1587C>G on transcript NM_052867.4 (MANE Select); coding-DNA position 1587, C replaced by G.
Protein change: p.Cys529Trp; replaces cysteine 529 with tryptophan.
Molecular consequence: missense variant.
Genome position (GRCh38, 1-based): chr13:101,229,432, G>C on the plus strand (C>G on the coding strand, the complement: NALCN is on the minus strand). VCF-style: chr13-101229432-G-C. GRCh37 (hg19) VCF-style: chr13-101881783-G-C.
Other names: c.1587C>G, p.Cys529Trp (NM_001350748.2, NM_001350749.2); c.1500C>G, p.Cys500Trp (NM_001350750.2, NM_001350751.2); short protein forms C529W, C500W.
Identifiers: ClinVar variation 2979216 (VCV002979216.3), dbSNP rs746447186, ClinGen allele CA7036191.